The following is an entry in ClinVar:

NM_000186.4(CFH):c.2776T>G (p.Cys926Gly)

Gene: CFH (complement factor H; plus strand). Cytogenetic location: 1q31.3.
Variant type: single nucleotide variant.
Coding change: c.2776T>G on transcript NM_000186.4 (MANE Select); coding-DNA position 2776, T replaced by G.
Protein change: p.Cys926Gly; replaces cysteine 926 with glycine.
Molecular consequence: missense variant.
Genome position (GRCh38, 1-based): chr1:196,737,654, T>G. VCF-style: chr1-196737654-T-G. GRCh37 (hg19) VCF-style: chr1-196706784-T-G.
Other names: p.Cys926Gly; short protein forms C926G.
Identifiers: ClinVar variation 2397723 (VCV002397723.5), dbSNP rs1269713751, ClinGen allele CA343994643.

ClinVar aggregate classification (germline): Uncertain significance. Review status: criteria provided, multiple submitters, no conflicts (2 of 4 stars). 4 submissions from 4 submitters: Uncertain significance (4). Last evaluated 2025-12-20.

Conditions:
Inborn genetic diseases. Identifiers: MedGen C0950123, MeSH D030342.

Allele frequency attached by ClinVar (database versions not stated): gnomAD exomes below 0.00001.
gnomAD v4.1: 2 of 1,613,022 alleles (0.00012%); highest among the groups gnomAD compares: Admixed American, 0.0017%; no homozygotes.

Submissions (4):

Labcorp Genetics (formerly Invitae), Labcorp
Classification: Uncertain significance. Last evaluated: 2025-12-20. Review status: criteria provided, single submitter. Criteria: Invitae Variant Classification Sherloc (09022015). Collection method: clinical testing. Allele origin: germline.
Comment: This sequence change replaces cysteine, which is neutral and slightly polar, with glycine, which is neutral and non-polar, at codon 926 of the CFH protein (p.Cys926Gly). This variant is present in population databases (no rsID available, gnomAD 0.003%). This variant has not been reported in the literature in individuals affected with CFH-related conditions. ClinVar contains an entry for this variant (Variation ID: 2397723). An algorithm developed to predict the effect of missense changes on protein structure and function (PolyPhen-2) suggests that this variant is likely to be disruptive. In summary, the available evidence is currently insufficient to determine the role of this variant in disease. Therefore, it has been classified as a Variant of Uncertain Significance.

Ambry Genetics
Classification: Uncertain significance for Inborn genetic diseases. Last evaluated: 2025-10-29. Review status: criteria provided, single submitter. Criteria: Ambry Variant Classification Scheme 2023. Collection method: clinical testing. Allele origin: germline.
Comment: The c.2776T>G (p.C926G) alteration is located in exon 17 (coding exon 17) of the CFH gene. This alteration results from a T to G substitution at nucleotide position 2776, causing the cysteine (C) at amino acid position 926 to be replaced by a glycine (G). Based on data from gnomAD, the G allele has an overall frequency of <0.001% (1/250946) total alleles studied. The highest observed frequency was 0.003% (1/34552) of Latino alleles. Based on insufficient or conflicting evidence, the clinical significance of this alteration remains unclear.

Mayo Clinic Laboratories, Mayo Clinic
Classification: Uncertain significance. Last evaluated: 2025-04-21. Review status: criteria provided, single submitter. Criteria: ACMG Guidelines, 2015. Collection method: clinical testing. Allele origin: germline. Observed: 1 variant allele.
Comment: PP3_moderate, PM2_supporting

Women's Health and Genetics/Laboratory Corporation of America, LabCorp
Classification: Uncertain significance. Last evaluated: 2024-12-03. Review status: criteria provided, single submitter. Criteria: LabCorp Variant Classification Summary - May 2015. Collection method: clinical testing. Allele origin: germline.
Comment: Variant summary: CFH c.2776T>G (p.Cys926Gly) results in a non-conservative amino acid change located in the SUSHI repeat; short complement-like repeat (SCR) (IPR000436) of the encoded protein sequence. Four of five in-silico tools predict a damaging effect of the variant on protein function. The variant allele was found at a frequency of 4e-06 in 250946 control chromosomes. The available data on variant occurrences in the general population are insufficient to allow any conclusion about variant significance. To our knowledge, no occurrence of c.2776T>G in individuals affected with CFH-Related Disorders and no experimental evidence demonstrating its impact on protein function have been reported. ClinVar contains an entry for this variant (Variation ID: 2397723). Based on the evidence outlined above, the variant was classified as uncertain significance.

Literature cited by the submitters: PubMed 14986080 (cited by Mayo Clinic Laboratories, Mayo Clinic); PubMed 16968692 (cited by Mayo Clinic Laboratories, Mayo Clinic); PubMed 31118930 (cited by Mayo Clinic Laboratories, Mayo Clinic); PubMed 34169201 (cited by Mayo Clinic Laboratories, Mayo Clinic).